The following is an entry in ClinVar:

ClinVar aggregate classification (germline): Uncertain significance (1 of 4 stars; one submission).

Conditions:
Multiple congenital anomalies-hypotonia-seizures syndrome 2 (MCAHS2). Also called: EPILEPTIC ENCEPHALOPATHY, EARLY INFANTILE, 20; GLYCOSYLPHOSPHATIDYLINOSITOL BIOSYNTHESIS DEFECT 4. Identifiers: Orphanet 300496, MedGen C3275508, MONDO:0010466, OMIM 300868.

Submission:

Labcorp Genetics (formerly Invitae), Labcorp
Classification: Uncertain significance for Multiple congenital anomalies-hypotonia-seizures syndrome 2. Last evaluated: 2020-10-05. Review status: criteria provided, single submitter. Criteria: Invitae Variant Classification Sherloc (09022015). Collection method: clinical testing. Allele origin: germline.
Comment: In summary, the available evidence is currently insufficient to determine the role of this variant in disease. Therefore, it has been classified as a Variant of Uncertain Significance. Algorithms developed to predict the effect of missense changes on protein structure and function (SIFT, PolyPhen-2, Align-GVGD) all suggest that this variant is likely to be tolerated, but these predictions have not been confirmed by published functional studies and their clinical significance is uncertain. This variant has not been reported in the literature in individuals with PIGA-related conditions. This variant is not present in population databases (ExAC no frequency). This sequence change replaces glutamic acid with glutamine at codon 264 of the PIGA protein (p.Glu264Gln). The glutamic acid residue is moderately conserved and there is a small physicochemical difference between glutamic acid and glutamine.

NM_002641.4(PIGA):c.790G>C (p.Glu264Gln)

Gene: PIGA (phosphatidylinositol glycan anchor biosynthesis class A; minus strand). Cytogenetic location: Xp22.2.
Variant type: single nucleotide variant.
Coding change: c.790G>C on transcript NM_002641.4 (MANE Select); coding-DNA position 790, G replaced by C.
Protein change: p.Glu264Gln; replaces glutamic acid 264 with glutamine.
Molecular consequence: missense variant. On other transcripts: non-coding transcript variant (2).
Genome position (GRCh38, 1-based): chrX:15,325,972, C>G on the plus strand (G>C on the coding strand, the complement: PIGA is on the minus strand). VCF-style: chrX-15325972-C-G. GRCh37 (hg19) VCF-style: chrX-15344094-C-G.
Other names: c.88G>C, p.Glu30Gln (NM_020473.3); short protein forms E264Q, E30Q.
Identifiers: ClinVar variation 1015041 (VCV001015041.9), dbSNP rs755799077, ClinGen allele CA412337403.